The following is an entry in ClinVar:

ClinVar aggregate classification (germline): Uncertain significance. Review status: criteria provided, multiple submitters, no conflicts (2 of 4 stars). 2 submissions from 2 submitters: Uncertain significance (2). Last evaluated 2024-01-30.

Conditions:
Inborn genetic diseases. Identifiers: MedGen C0950123, MeSH D030342.
TRPC6-related disorder. Also called: TRPC6-related condition.

Allele frequency attached by ClinVar (database versions not stated): gnomAD exomes 0.00001; TOPMed 0.00001.
gnomAD v4.1: 4 of 1,489,058 alleles (0.00027%); highest among the groups gnomAD compares: Admixed American, 0.0066%; no homozygotes.

Submissions (2):

Ambry Genetics
Classification: Uncertain significance for Inborn genetic diseases. Last evaluated: 2024-01-30. Review status: criteria provided, single submitter. Criteria: Ambry Variant Classification Scheme 2023. Collection method: clinical testing. Allele origin: germline.

PreventionGenetics, part of Exact Sciences
Classification: Uncertain significance for TRPC6-related condition. Last evaluated: 2023-08-06. Review status: criteria provided, single submitter. Criteria: ACMG Guidelines, 2015. Collection method: clinical testing. Allele origin: germline.
Comment: The TRPC6 c.8A>G variant is predicted to result in the amino acid substitution p.Gln3Arg. To our knowledge, this variant has not been reported in the literature. This variant is reported in 0.016% of alleles in individuals of Latino descent in gnomAD. At this time, the clinical significance of this variant is uncertain due to the absence of conclusive functional and genetic evidence.

NM_004621.6(TRPC6):c.8A>G (p.Gln3Arg)

Gene: TRPC6 (transient receptor potential cation channel subfamily C member 6; minus strand). Cytogenetic location: 11q22.1.
Variant type: single nucleotide variant.
Coding change: c.8A>G on transcript NM_004621.6 (MANE Select); coding-DNA position 8, A replaced by G.
Protein change: p.Gln3Arg; replaces glutamine 3 with arginine.
Molecular consequence: missense variant.
Genome position (GRCh38, 1-based): chr11:101,583,496, T>C on the plus strand (A>G on the coding strand, the complement: TRPC6 is on the minus strand). VCF-style: chr11-101583496-T-C. GRCh37 (hg19) VCF-style: chr11-101454227-T-C.
Other names: short protein forms Q3R.
Identifiers: ClinVar variation 2635661 (VCV002635661.2), dbSNP rs1430418655, ClinGen allele CA382444354.